The following is an entry in ClinVar:

NM_007078.3(LDB3):c.343G>A (p.Gly115Ser)

Gene: LDB3 (LIM domain binding 3; plus strand). Cytogenetic location: 10q23.2.
Variant type: single nucleotide variant.
Coding change: c.343G>A on transcript NM_007078.3 (MANE Select); coding-DNA position 343, G replaced by A.
Protein change: p.Gly115Ser; replaces glycine 115 with serine.
Molecular consequence: missense variant. On other transcripts: intron variant (5).
Genome position (GRCh38, 1-based): chr10:86,681,457, G>A. VCF-style: chr10-86681457-G-A. GRCh37 (hg19) VCF-style: chr10-88441214-G-A.
Other names: c.343G>A, p.Gly115Ser (NM_001080115.2, NM_001171610.2, NM_001171611.2 and 3 more transcripts); c.321+1300G>A (NM_001368068.1, NM_001368066.1, NM_001080114.2 and 2 more transcripts); short protein forms G115S.
Identifiers: ClinVar variation 45543 (VCV000045543.9), dbSNP rs397517222, ClinGen allele CA136601.

ClinVar aggregate classification (germline): Uncertain significance. Review status: criteria provided, multiple submitters, no conflicts (2 of 4 stars). 4 submissions from 4 submitters: Uncertain significance (4). Last evaluated 2025-07-10.

Conditions:
Cardiovascular phenotype. Identifiers: MedGen CN230736.
Myofibrillar myopathy 4. Also called: Zaspopathy (type). Identifiers: Orphanet 98912, MedGen C4721886, MONDO:0012277, OMIM 609452.
Dilated cardiomyopathy 1C (CMD1C). Also called: CARDIOMYOPATHY, DILATED, 1C, WITH OR WITHOUT LEFT VENTRICULAR NONCOMPACTION; Cardiomyopathy, dilated, 1C, with or without LVNC. Identifiers: Orphanet 154, Orphanet 54260, MedGen C1832244, MONDO:0011094, OMIM 601493.

Allele frequency attached by ClinVar (database versions not stated): TOPMed 0.00002; gnomAD 0.00001.
gnomAD v4.1: 5 of 1,604,770 alleles (0.00031%); highest among the groups gnomAD compares: Admixed American, 0.0017%; no homozygotes.

Submissions (4):

Labcorp Genetics (formerly Invitae), Labcorp
Classification: Uncertain significance for Myofibrillar myopathy 4. Last evaluated: 2025-07-10. Review status: criteria provided, single submitter. Criteria: Invitae Variant Classification Sherloc (09022015). Collection method: clinical testing. Allele origin: germline.
Comment: The LDB3 gene has multiple clinically relevant transcripts. This variant occurs in alternate transcript NM_007078.3, and corresponds to NM_001080116.1:c.321+1300G>A in the primary transcript. This sequence change replaces glycine, which is neutral and non-polar, with serine, which is neutral and polar, at codon 115 of the LDB3 protein (p.Gly115Ser). This variant is present in population databases (rs397517222, gnomAD 0.0009%). This missense change has been observed in individual(s) with dilated cardiomyopathy (PMID: 27532257). ClinVar contains an entry for this variant (Variation ID: 45543). Algorithms developed to predict the effect of sequence changes on RNA splicing suggest that this variant is not likely to affect RNA splicing. In summary, the available evidence is currently insufficient to determine the role of this variant in disease. Therefore, it has been classified as a Variant of Uncertain Significance.

Ambry Genetics
Classification: Uncertain significance for Cardiovascular phenotype. Last evaluated: 2022-11-04. Review status: criteria provided, single submitter. Criteria: Ambry Variant Classification Scheme 2023. Collection method: clinical testing. Allele origin: germline.
Comment: The p.G115S variant (also known as c.343G>A), located in coding exon 4 of the LDB3 gene, results from a G to A substitution at nucleotide position 343. The glycine at codon 115 is replaced by serine, an amino acid with similar properties. This alteration has been reported in a dilated cardiomyopathy cohort and a limb girdle muscular dystrophy cohort (Aurino S et al. Acta Myol, 2008 Dec;27:90-7; Pugh TJ et al. Genet Med, 2014 Aug;16:601-8). This amino acid position is well conserved in available vertebrate species. In addition, this alteration is predicted to be tolerated by in silico analysis. Since supporting evidence is limited at this time, the clinical significance of this alteration remains unclear.

Fulgent Genetics
Classification: Uncertain significance for Dilated cardiomyopathy 1C; Myofibrillar myopathy 4. Last evaluated: 2021-09-14. Review status: criteria provided, single submitter. Criteria: ACMG Guidelines, 2015. Collection method: clinical testing. Allele origin: unknown.

Laboratory for Molecular Medicine, Mass General Brigham Personalized Medicine
Classification: Uncertain significance. Last evaluated: 2012-01-05. Review status: criteria provided, single submitter. Criteria: LMM Criteria. Collection method: clinical testing. Allele origin: germline. Observed: 2 variant alleles.
Comment: Variant classified as Uncertain Significance - Favor Benign. Glycine (Gly) at position 115 is not con served in mammals and several other mammals have a serine (Ser) at this position , increasing the likelihood that a change may be tolerated. Computational tools are mixed in the prediction of the pathogenicity of this variant (AlignGVGD & SI FT = benign, PolyPhen2 = pathogenic), though the accuracy of these tools is unkn own. Additional information is needed to fully assess the clinical significance of the Gly115Ser variant.

Literature cited by the submitters: PubMed 27532257 (cited by Labcorp Genetics (formerly Invitae), Labcorp); PubMed 19472918 (cited by Ambry Genetics); PubMed 24503780 (cited by Ambry Genetics).